The following is an entry in ClinVar:

NC_000017.10:g.(?_10551854)_(10551986_?)del

Gene: MYH3 (myosin heavy chain 3; minus strand). Cytogenetic location: 17p13.1.
Variant type: Deletion.
Identifiers: ClinVar variation 1511908 (VCV001511908.6).

ClinVar aggregate classification (germline): Uncertain significance (1 of 4 stars; one submission).

Submission:

Labcorp Genetics (formerly Invitae), Labcorp
Classification: Uncertain significance. Last evaluated: 2022-12-02. Review status: criteria provided, single submitter. Criteria: Invitae Variant Classification Sherloc (09022015). Collection method: clinical testing. Allele origin: germline.
Comment: In summary, the available evidence is currently insufficient to determine the role of this variant in disease. Therefore, it has been classified as a Variant of Uncertain Significance. Experimental studies and prediction algorithms are not available or were not evaluated, and the functional significance of this variant is currently unknown. This variant has not been reported in the literature in individuals affected with MYH3-related conditions. This variant is a gross deletion of the genomic region encompassing exon(s) 8 of the MYH3 gene. This variant would be expected to be in-frame, preserving the integrity of the reading frame.